The following is an entry in ClinVar:

NM_000565.4(IL6R):c.808G>A (p.Val270Ile)

Gene: IL6R (interleukin 6 receptor; plus strand). Cytogenetic location: 1q21.3.
Variant type: single nucleotide variant.
Coding change: c.808G>A on transcript NM_000565.4 (MANE Select); coding-DNA position 808, G replaced by A.
Protein change: p.Val270Ile; replaces valine 270 with isoleucine.
Molecular consequence: missense variant. On other transcripts: intron variant (1).
Genome position (GRCh38, 1-based): chr1:154,435,969, G>A. VCF-style: chr1-154435969-G-A. GRCh37 (hg19) VCF-style: chr1-154408445-G-A.
Other names: c.808G>A, p.Val270Ile (NM_001206866.2, NM_001382769.1, NM_001382770.1 and 3 more transcripts); c.448G>A, p.Val150Ile (NM_001382774.1); c.808-6G>A (NM_001382772.1); short protein forms V150I, V270I.
Identifiers: ClinVar variation 4771038 (VCV004771038.2).

ClinVar aggregate classification (germline): Conflicting classifications of pathogenicity. Review status: criteria provided, conflicting classifications (1 of 4 stars). 2 submissions from 2 submitters: Uncertain significance (1); Likely benign (1). Last evaluated 2025-10-19.

gnomAD v4.1: 1 of 1,602,178 alleles (0.000062%); no homozygotes.

Submissions (2):

Labcorp Genetics (formerly Invitae), Labcorp
Classification: Uncertain significance. Last evaluated: 2025-10-19. Review status: criteria provided, single submitter. Criteria: Invitae Variant Classification Sherloc (09022015). Collection method: clinical testing. Allele origin: germline.
Comment: This sequence change replaces valine, which is neutral and non-polar, with isoleucine, which is neutral and non-polar, at codon 270 of the IL6R protein (p.Val270Ile). This variant is not present in population databases (gnomAD no frequency). This variant has not been reported in the literature in individuals affected with IL6R-related conditions. An algorithm developed to predict the effect of missense changes on protein structure and function outputs the following: PolyPhen-2: "Benign". The isoleucine amino acid residue is found in multiple mammalian species, which suggests that this missense change does not adversely affect protein function. Algorithms developed to predict the effect of sequence changes on RNA splicing suggest that this variant may create or strengthen a splice site. In summary, the available evidence is currently insufficient to determine the role of this variant in disease. Therefore, it has been classified as a Variant of Uncertain Significance.

Blueprint Genetics
Classification: Likely benign. Last evaluated: 2024-03-29. Review status: criteria provided, single submitter. Criteria: ACMG Guidelines, 2015. Collection method: clinical testing. Allele origin: germline.